The following is an entry in ClinVar:

ClinVar aggregate classification (germline): Benign/Likely benign. Review status: criteria provided, multiple submitters, no conflicts (2 of 4 stars). 17 submissions from 17 submitters: Benign (7); Likely benign (7). 3 of the submissions do not count toward it. Last evaluated 2026-09-01.

Conditions:
Hereditary cancer-predisposing syndrome. Also called: Tumor predisposition; Neoplastic Syndromes, Hereditary; Hereditary neoplastic syndrome; Hereditary Cancer Syndrome. Identifiers: Orphanet 140162, MedGen C0027672, MeSH D009386, MONDO:0015356.
Neurofibromatosis, type 1 (NF1). Also called: NEUROFIBROMATOSIS, TYPE I, SOMATIC; VON RECKLINGHAUSEN DISEASE; Neurofibromatosis, type I; Peripheral type neurofibromatosis. Identifiers: Orphanet 636, MedGen C0027831, MONDO:0018975, OMIM 162200. Disease mechanism: loss of function.
Cardiovascular phenotype. Identifiers: MedGen CN230736.

Submissions (17):

CeGaT Center for Human Genetics Tuebingen
Classification: Likely benign. Last evaluated: 2026-09-01. Review status: criteria provided, single submitter. Criteria: CeGaT Center For Human Genetics Tuebingen Variant Classification Criteria Version 2. Collection method: clinical testing. Allele origin: germline. Affected: yes. Observed: 21 variant alleles.
Comment: NF1: BP4, BS1

Myriad Genetics, Inc.
Classification: Benign for Neurofibromatosis, type 1. Last evaluated: 2026-01-27. Review status: criteria provided, single submitter. Criteria: Myriad Autosomal Dominant, Autosomal Recessive and X-Linked Classification Criteria (2023). Collection method: clinical testing. Allele origin: unknown.
Comment: This variant is considered benign. This variant is intronic and is not expected to impact mRNA splicing. This variant has been observed at a population frequency that is significantly greater than expected given the associated disease prevalence and penetrance.

Dasa
Classification: Benign. Last evaluated: 2025-11-06. Review status: criteria provided, single submitter. Criteria: DASA Assertion Criteria. Collection method: clinical testing. Allele origin: germline.
Comment: NM_001042492.3(NF1):c.61-4del is a splice-region variant. Population frequency is inconsistent with a disease-causing role for this variant, and observations in unaffected individuals support a benign interpretation. Computational prediction algorithms are consistent with a benign effect. Therefore, based on the currently available evidence, this variant is classified as benign.

ARUP Laboratories, Molecular Genetics and Genomics, ARUP Laboratories
Classification: Benign. Last evaluated: 2025-05-06. Review status: criteria provided, single submitter. Criteria: ARUP Molecular Germline Variant Investigation Process 2024. Collection method: clinical testing. Allele origin: germline.

Center for Genomic Medicine, Rigshospitalet, Copenhagen University Hospital
Classification: Likely benign. Last evaluated: 2025-03-04. Review status: criteria provided, single submitter. Criteria: ACMG Guidelines, 2015. Collection method: clinical testing. Allele origin: germline.

Blueprint Genetics
Classification: Likely benign. Last evaluated: 2024-11-21. Review status: criteria provided, single submitter. Criteria: ACMG Guidelines, 2015. Collection method: clinical testing. Allele origin: germline.

Department of Pathology and Laboratory Medicine, Sinai Health System
Classification: Likely benign for Neurofibromatosis, type 1. Last evaluated: 2024-06-18. Review status: criteria provided, single submitter. Criteria: ACMG Guidelines, 2015. Collection method: clinical testing. Allele origin: germline. Affected: yes.

Genome-Nilou Lab
Classification: Likely benign for Neurofibromatosis, type 1. Last evaluated: 2022-03-15. Review status: criteria provided, single submitter. Criteria: ACMG Guidelines, 2015. Collection method: clinical testing. Allele origin: germline. Affected: no.

Labcorp Genetics (formerly Invitae), Labcorp
Classification: Benign for Neurofibromatosis, type 1. Last evaluated: 2021-04-17. Review status: criteria provided, single submitter. Criteria: Invitae Variant Classification Sherloc (09022015). Collection method: clinical testing. Allele origin: germline.

GeneDx
Classification: Likely benign. Last evaluated: 2021-04-07. Review status: criteria provided, single submitter. Criteria: GeneDx Variant Classification Process June 2021. Collection method: clinical testing. Allele origin: germline. Affected: yes.
Comment: This variant is associated with the following publications: (PMID: 15060124, 18592002)

Genome Diagnostics Laboratory, The Hospital for Sick Children
Classification: Likely benign for Neurofibromatosis, type 1. Last evaluated: 2020-10-26. Review status: criteria provided, single submitter. Criteria: ACMG Guidelines, 2015. Collection method: clinical testing. Allele origin: germline. Affected: yes.

Sema4
Classification: Benign for Hereditary cancer-predisposing syndrome. Last evaluated: 2020-10-26. Review status: criteria provided, single submitter. Criteria: Sema4 Curation Guidelines. Collection method: curation. Allele origin: germline.

Ambry Genetics
Classification: Benign for Cardiovascular phenotype; Hereditary cancer-predisposing syndrome. Last evaluated: 2020-07-14. Review status: criteria provided, single submitter. Criteria: Ambry Variant Classification Scheme 2023. Collection method: clinical testing. Allele origin: germline.

Women's Health and Genetics/Laboratory Corporation of America, LabCorp
Classification: Benign. Last evaluated: 2017-08-09. Review status: criteria provided, single submitter. Criteria: LabCorp Variant Classification Summary - May 2015. Collection method: clinical testing. Allele origin: germline.
Comment: Variant summary: The NF1 c.61-4delT variant involves the alteration of a non-conserved intronic nucleotide. Mutation taster predicts a benign outcome for this variant. 5/5 splice prediction tools predict no significant impact on normal splicing. However, these predictions have yet to be confirmed by functional studies. This variant was found in 316/77450 control chromosomes from ExAC, predominantly observed in the European (Finnish) subpopulation at a frequency of 0.016349 (79/4832). This frequency is about 78 times the estimated maximal expected allele frequency of a pathogenic NF1 variant (0.0002084), suggesting this is likely a benign polymorphism found primarily in the populations of European (Finnish) origin. One patient with neurofibromatosis type 1 carried this variant along with another likely pathogenic splice mutation (c.1642-2A>G), indicating that the variant was not the cause of disease (Mattocks_JMG_2004). In addition, one clinical diagnostic laboratory has classified this variant as likely benign. Taken together, this variant is classified as benign.

Clinical Genetics DNA and cytogenetics Diagnostics Lab, Erasmus MC, Erasmus Medical Center
Classification: Benign. Review status: no assertion criteria provided. Collection method: clinical testing. Allele origin: germline. Affected: yes. Study: VKGL Data-share Consensus. Not counted in ClinVar's aggregate classification.

Diagnostic Laboratory, Department of Genetics, University Medical Center Groningen
Classification: Likely benign. Review status: no assertion criteria provided. Collection method: clinical testing. Allele origin: germline. Affected: yes. Study: VKGL Data-share Consensus. Not counted in ClinVar's aggregate classification.

Genome Diagnostics Laboratory, Amsterdam University Medical Center
Classification: Likely benign. Review status: no assertion criteria provided. Collection method: clinical testing. Allele origin: germline. Affected: yes. Study: VKGL Data-share Consensus. Not counted in ClinVar's aggregate classification.

Literature cited by the submitters: PubMed 15060124 (cited by Department of Pathology and Laboratory Medicine, Sinai Health System and Women's Health and Genetics/Laboratory Corporation of America, LabCorp).

NM_001042492.3(NF1):c.61-4del

Gene: NF1 (neurofibromin 1; plus strand). Cytogenetic location: 17q11.2.
Variant type: Deletion.
Coding change: c.61-4del on transcript NM_001042492.3 (MANE Select); 4 bases into the intron before coding-DNA position 61, one base deleted (T; older notation c.61-4delT).
Molecular consequence: intron variant.
Genome position (GRCh38, 1-based): chr17:31,155,979, T deleted; the last of 9 consecutive T bases (chr17:31,155,971-31,155,979); deleting any one gives the same sequence. VCF-style (leftmost placement, unchanged base first): chr17-31155970-CT-C. GRCh37 (hg19) VCF-style: chr17-29482988-CT-C.
Other names: c.61-12delT (NM_000267.3); c.61-4delT (NM_000267.3); c.61-4del (NM_000267.4, NM_001128147.3, NM_000267.3).
Identifiers: ClinVar variation 322566 (VCV000322566.70), dbSNP rs551568608, ClinGen allele CA8485464.